The following is an entry in ClinVar:

ClinVar aggregate classification (germline): Conflicting classifications of pathogenicity. Review status: criteria provided, conflicting classifications (1 of 4 stars). 3 submissions from 3 submitters: Uncertain significance (2); Likely benign (1). Last evaluated 2024-12-16.

Conditions:
Hereditary cancer-predisposing syndrome. Also called: Hereditary Cancer Syndrome; Tumor predisposition; Hereditary neoplastic syndrome; Neoplastic Syndromes, Hereditary. Identifiers: Orphanet 140162, MedGen C0027672, MeSH D009386, MONDO:0015356.

gnomAD v4.1: 1 of 1,501,092 alleles (0.000067%); highest among the groups gnomAD compares: Non-Finnish European, 0.000089%; no homozygotes.

Submissions (3):

Ambry Genetics
Classification: Likely benign for Hereditary cancer-predisposing syndrome. Last evaluated: 2024-12-16. Review status: criteria provided, single submitter. Criteria: Ambry Variant Classification Scheme 2023. Collection method: clinical testing. Allele origin: germline.

Labcorp Genetics (formerly Invitae), Labcorp
Classification: Uncertain significance. Last evaluated: 2023-07-12. Review status: criteria provided, single submitter. Criteria: Invitae Variant Classification Sherloc (09022015). Collection method: clinical testing. Allele origin: germline.
Comment: In summary, the available evidence is currently insufficient to determine the role of this variant in disease. Therefore, it has been classified as a Variant of Uncertain Significance. Experimental studies and prediction algorithms are not available or were not evaluated, and the functional significance of this variant is currently unknown. ClinVar contains an entry for this variant (Variation ID: 1041786). This variant has not been reported in the literature in individuals affected with POLE-related conditions. This variant is not present in population databases (gnomAD no frequency). This sequence change replaces alanine, which is neutral and non-polar, with glycine, which is neutral and non-polar, at codon 11 of the POLE protein (p.Ala11Gly).

GeneDx
Classification: Uncertain significance. Last evaluated: 2019-10-14. Review status: criteria provided, single submitter. Criteria: GeneDx Variant Classification Process June 2021. Collection method: clinical testing. Allele origin: germline. Affected: yes.
Comment: Not observed in large population cohorts (Lek 2016); In silico analysis, which includes protein predictors and evolutionary conservation, supports that this variant does not alter protein structure/function; Has not been previously published as pathogenic or benign to our knowledge

NM_006231.4(POLE):c.32C>G (p.Ala11Gly)

Genes: POLE (DNA polymerase epsilon, catalytic subunit; minus strand), LOC130009266 (ATAC-STARR-seq lymphoblastoid silent region 5123; plus strand). Cytogenetic location: 12q24.33.
Variant type: single nucleotide variant.
Coding change: c.32C>G on transcript NM_006231.4 (MANE Select); coding-DNA position 32, C replaced by G.
Protein change: p.Ala11Gly; replaces alanine 11 with glycine.
Molecular consequence: missense variant.
Genome position (GRCh38, 1-based): chr12:132,687,284, G>C on the plus strand (C>G on the coding strand, the complement: POLE is on the minus strand). VCF-style: chr12-132687284-G-C. GRCh37 (hg19) VCF-style: chr12-133263870-G-C.
Other names: short protein forms A11G.
Identifiers: ClinVar variation 1041786 (VCV001041786.14), dbSNP rs1060500821, ClinGen allele CA387373430.